The following is an entry in ClinVar:

NM_004380.3(CREBBP):c.6366G>A (p.Gln2122=)

Gene: CREBBP (CREB binding lysine acetyltransferase; minus strand). Cytogenetic location: 16p13.3.
Variant type: single nucleotide variant.
Coding change: c.6366G>A on transcript NM_004380.3 (MANE Select); coding-DNA position 6366, G replaced by A.
Protein change: p.Gln2122=; no amino-acid change (glutamine 2122 retained).
Molecular consequence: synonymous variant.
Genome position (GRCh38, 1-based): chr16:3,728,681, C>T on the plus strand (G>A on the coding strand, the complement: CREBBP is on the minus strand). VCF-style: chr16-3728681-C-T. GRCh37 (hg19) VCF-style: chr16-3778682-C-T.
Other names: c.6252G>A, p.Gln2084= (NM_001079846.1).
Identifiers: ClinVar variation 3354720 (VCV003354720.1).

ClinVar aggregate classification (germline): Likely benign (0 of 4 stars; one submission).

Conditions:
CREBBP-related disorder. Also called: CREBBP-related condition; CREBBP-related disorders.

gnomAD v4.1: 1 of 1,613,654 alleles (0.000062%); highest among the groups gnomAD compares: African/African-American, 0.0013%; no homozygotes.

Submission:

PreventionGenetics, part of Exact Sciences
Classification: Likely benign for CREBBP-related condition. Last evaluated: 2023-10-31. Review status: no assertion criteria provided. Collection method: clinical testing. Allele origin: germline.
Comment: This variant is classified as likely benign based on ACMG/AMP sequence variant interpretation guidelines (Richards et al. 2015 PMID: 25741868, with internal and published modifications).